The following is an entry in ClinVar:

ClinVar aggregate classification (germline): Uncertain significance (1 of 4 stars; one submission).

Submission:

Dasa
Classification: Uncertain significance. Last evaluated: 2026-03-12. Review status: criteria provided, single submitter. Criteria: DASA Assertion Criteria. Collection method: clinical testing. Allele origin: germline.
Comment: NM_000528.4(MAN2B1):c.1026+261A>C is an intronic variant. This variant has been observed in affected individuals with MAN2B1-related disorders. Also, this variant is rare in population databases. The currently available literature and clinical evidence are not sufficient to establish a definitive association between this variant and the reported condition. Therefore, this variant is classified as a variant of uncertain significance.

NM_000528.4(MAN2B1):c.1026+261A>C

Gene: MAN2B1 (mannosidase alpha class 2B member 1; minus strand). Cytogenetic location: 19p13.13.
Variant type: single nucleotide variant.
Coding change: c.1026+261A>C on transcript NM_000528.4 (MANE Select); 261 bases into the intron after coding-DNA position 1026, A replaced by C.
Molecular consequence: intron variant.
Genome position (GRCh38, 1-based): chr19:12,660,999, T>G on the plus strand (A>C on the coding strand, the complement: MAN2B1 is on the minus strand). VCF-style: chr19-12660999-T-G. GRCh37 (hg19) VCF-style: chr19-12771813-T-G.
Other names: c.1026+261A>C (NM_001173498.2, NM_001440570.1).
Identifiers: ClinVar variation 4886082 (VCV004886082.2).